The following is an entry in ClinVar:

NM_001458.5(FLNC):c.5546C>A (p.Pro1849His)

Genes: FLNC-AS1 (FLNC antisense RNA 1; minus strand), FLNC (filamin C; plus strand). Cytogenetic location: 7q32.1.
Variant type: single nucleotide variant.
Coding change: c.5546C>A on transcript NM_001458.5 (MANE Select); coding-DNA position 5546, C replaced by A.
Protein change: p.Pro1849His; replaces proline 1849 with histidine.
Molecular consequence: missense variant.
Genome position (GRCh38, 1-based): chr7:128,851,238, C>A. VCF-style: chr7-128851238-C-A. GRCh37 (hg19) VCF-style: chr7-128491292-C-A.
Other names: c.5447C>A, p.Pro1816His (NM_001127487.2); short protein forms P1849H, P1816H.
Identifiers: ClinVar variation 1748217 (VCV001748217.7), dbSNP rs2536655618, ClinGen allele CA369207190.

ClinVar aggregate classification (germline): Uncertain significance. Review status: criteria provided, multiple submitters, no conflicts (2 of 4 stars). 3 submissions from 3 submitters: Uncertain significance (3). Last evaluated 2025-11-25.

Conditions:
Distal myopathy with posterior leg and anterior hand involvement. Also called: WILLIAMS DISTAL MYOPATHY. Identifiers: Orphanet 63273, MedGen C3279722, MONDO:0013550, OMIM 614065.
Hypertrophic cardiomyopathy 26. Also called: Cardiomyopathy, familial hypertrophic, 26. Identifiers: Orphanet 75249, MedGen C4310749, MONDO:0014883, OMIM 617047.
Myofibrillar myopathy 5. Also called: Filaminopathy (type); FILAMINOPATHY, AUTOSOMAL DOMINANT. Identifiers: Orphanet 171445, MedGen C1836050, MONDO:0012289, OMIM 609524.
Cardiovascular phenotype. Identifiers: MedGen CN230736.

Submissions (3):

Labcorp Genetics (formerly Invitae), Labcorp
Classification: Uncertain significance for Distal myopathy with posterior leg and anterior hand involvement; Myofibrillar myopathy 5; Hypertrophic cardiomyopathy 26. Last evaluated: 2025-11-25. Review status: criteria provided, single submitter. Criteria: Invitae Variant Classification Sherloc (09022015). Collection method: clinical testing. Allele origin: germline.
Comment: This sequence change replaces proline, which is neutral and non-polar, with histidine, which is basic and polar, at codon 1849 of the FLNC protein (p.Pro1849His). This variant is not present in population databases (gnomAD no frequency). This variant has not been reported in the literature in individuals affected with FLNC-related conditions. ClinVar contains an entry for this variant (Variation ID: 1748217). Invitae Evidence Modeling of protein sequence and biophysical properties (such as structural, functional, and spatial information, amino acid conservation, physicochemical variation, residue mobility, and thermodynamic stability) has been performed for this missense variant. However, the output from this modeling did not meet the statistical confidence thresholds required to predict the impact of this variant on FLNC protein function. In summary, the available evidence is currently insufficient to determine the role of this variant in disease. Therefore, it has been classified as a Variant of Uncertain Significance.

Ambry Genetics
Classification: Uncertain significance for Cardiovascular phenotype. Last evaluated: 2025-07-15. Review status: criteria provided, single submitter. Criteria: Ambry Variant Classification Scheme 2023. Collection method: clinical testing. Allele origin: germline.

Clinical Genomics Laboratory, Stanford Medicine
Classification: Uncertain significance for Distal myopathy with posterior leg and anterior hand involvement; Myofibrillar myopathy 5; Hypertrophic cardiomyopathy 26. Last evaluated: 2022-09-02. Review status: criteria provided, single submitter. Criteria: ACMG Guidelines, 2015. Collection method: clinical testing. Allele origin: germline. Observed: 1 variant allele, 1 heterozygote.
Comment: The p.Pro1849His variant in the FLNC gene has not been previously reported in association with disease. This variant was absent from large population databases, including the Genome Aggregation Database. Computational tools predict that this variant is deleterious; however, the accuracy of in silico algorithms is limited. These data were assessed using the ACMG/AMP variant interpretation guidelines. In summary, the significance of the p.Pro1849His variant is uncertain. Additional information is needed to resolve the significance of this variant. [ACMG evidence codes used: PM2; PP3]